The following is an entry in ClinVar:

NM_014874.4(MFN2):c.1039-12TG[2]

Gene: MFN2 (mitofusin 2; plus strand). Cytogenetic location: 1p36.22.
Variant type: Microsatellite.
Coding change: c.1039-12TG[2] on transcript NM_014874.4 (MANE Select); two copies in a row of the 2-base unit TG starting at c.1039-12.
Molecular consequence: intron variant.
Genome position: GRCh38 VCF-style: chr1-12001969-CTG-C. GRCh37 (hg19) VCF-style: chr1-12062026-CTG-C.
Other names: c.1039-12TG[2] (NM_001127660.2).
Identifiers: ClinVar variation 1570063 (VCV001570063.12), dbSNP rs780237550, ClinGen allele CA599001.

ClinVar aggregate classification (germline): Conflicting classifications of pathogenicity. Review status: criteria provided, conflicting classifications (1 of 4 stars). 4 submissions from 4 submitters: Uncertain significance (2); Likely benign (2). Last evaluated 2025-10-06.

Conditions:
MFN2-related disorder. Also called: MFN2-related condition; MFN2-related disorders.
Inborn genetic diseases. Identifiers: MedGen C0950123, MeSH D030342.
Charcot-Marie-Tooth disease type 2. Also called: Charcot-Marie-Tooth type 2. Identifiers: Orphanet 64746, MedGen C0270914, MONDO:0018993.

Submissions (4):

PreventionGenetics, part of Exact Sciences
Classification: Likely benign for MFN2-related condition. Last evaluated: 2025-10-06. Review status: criteria provided, single submitter. Criteria: ACMG Guidelines, 2015. Collection method: clinical testing. Allele origin: germline.
Comment: This variant is classified as likely benign based on ACMG/AMP sequence variant interpretation guidelines (Richards et al. 2015 PMID: 25741868, with internal and published modifications).

Labcorp Genetics (formerly Invitae), Labcorp
Classification: Likely benign for Charcot-Marie-Tooth disease type 2. Last evaluated: 2024-12-12. Review status: criteria provided, single submitter. Criteria: Invitae Variant Classification Sherloc (09022015). Collection method: clinical testing. Allele origin: germline.

Blueprint Genetics
Classification: Uncertain significance. Last evaluated: 2024-03-24. Review status: criteria provided, single submitter. Criteria: ACMG Guidelines, 2015. Collection method: clinical testing. Allele origin: germline.

Ambry Genetics
Classification: Uncertain significance for Inborn genetic diseases. Last evaluated: 2021-11-16. Review status: criteria provided, single submitter. Criteria: Ambry Variant Classification Scheme 2023. Collection method: clinical testing. Allele origin: germline.
Comment: The c.1039-7_1039-6delGT intronic variant, located in intron 8 of the MFN2 gene, results from a deletion of two nucleotides within intron 8 of the MFN2 gene. This nucleotide position is not well conserved in available vertebrate species. In silico splice site analysis predicts that this alteration will not have any significant effect on splicing. Based on the supporting evidence, this variant is unlikely to be causative of Charcot-Marie-Tooth disease (CMT) type 2A2A and hereditary motor and sensory neuropathy VIA; however, its contribution to the development of Charcot-Marie-Tooth disease (CMT) type 2A2B is uncertain.